The following is an entry in ClinVar:

NM_001267550.2(TTN):c.34378+1del

Gene: TTN (titin; minus strand). Cytogenetic location: 2q31.2.
Variant type: Deletion.
Coding change: c.34378+1del on transcript NM_001267550.2 (MANE Select); the canonical splice donor site of the intron after coding-DNA position 34378, one base deleted (G; older notation c.34378+1delG).
Molecular consequence: splice donor variant. On other transcripts: intron variant (5).
Genome position (GRCh38, 1-based): chr2:178,677,200, C deleted on the plus strand (G on the coding strand, the reverse complement: TTN is on the minus strand); the first of 2 consecutive C bases (chr2:178,677,200-178,677,201); deleting either gives the same sequence. VCF-style (leftmost placement, unchanged base first): chr2-178677199-AC-A. GRCh37 (hg19) VCF-style: chr2-179541926-AC-A.
Other names: c.13283-34883del (NM_003319.4); c.13859-34883del (NM_133437.4); c.13658-34883del (NM_133432.3); c.30559+421del (NM_133378.4); c.33340+421del (NM_001256850.1).
Identifiers: ClinVar variation 1495105 (VCV001495105.8), dbSNP rs1462972904, ClinGen allele CA761308003.
Genomic context (GRCh38, chr2:178,677,199, plus strand): 5'-CATCATAATTTATGTGACCAAGCTATGGGTGAACAATGTGTATTCACTTTGGGGAGGTGT[AC>A]CTTTGGGTGGTGGTGGAGGTTCCACTTTTTTAGGGGCGGGAACAGGGACTTTCTTCTCTG-3'

ClinVar aggregate classification (germline): Uncertain significance (1 of 4 stars; one submission).

Conditions:
Dilated cardiomyopathy 1G (CMD1G). Identifiers: Orphanet 154, MedGen C1858763, MONDO:0011400, OMIM 604145.
Autosomal recessive limb-girdle muscular dystrophy type 2J (LGMDR10). Also called: Limb-girdle muscular dystrophy, type 2J; MUSCULAR DYSTROPHY, LIMB-GIRDLE, AUTOSOMAL RECESSIVE 10. Identifiers: Orphanet 140922, MedGen C1837342, MONDO:0012127, OMIM 608807.

Submission:

Labcorp Genetics (formerly Invitae), Labcorp
Classification: Uncertain significance for Dilated cardiomyopathy 1G; Autosomal recessive limb-girdle muscular dystrophy type 2J. Last evaluated: 2022-12-03. Review status: criteria provided, single submitter. Criteria: Invitae Variant Classification Sherloc (09022015). Collection method: clinical testing. Allele origin: germline.
Comment: In summary, the available evidence is currently insufficient to determine the role of this variant in disease. Therefore, it has been classified as a Variant of Uncertain Significance. This variant has not been reported in the literature in individuals affected with TTN-related conditions. ClinVar contains an entry for this variant (Variation ID: 1495105). Algorithms developed to predict the effect of sequence changes on RNA splicing suggest that this variant may disrupt the consensus splice site. This variant is located in the I band of TTN (PMID: 25589632). Truncating variants in this region have been shown to be highly prevalent in the general population and unaffected individuals (PMID: 26701604, 22335739). However, truncating variants in this region have also been reported in individuals affected with autosomal recessive centronuclear myopathy (PMID: 23975875). This sequence change affects a splice site in intron 147 of the TTN gene. It is expected to disrupt RNA splicing and likely results in a truncated or disrupted TTN protein. This variant is not present in population databases (gnomAD no frequency).

Literature cited by the submitters: PubMed 25589632; PubMed 26701604; PubMed 22335739; PubMed 23975875.